The following is an entry in ClinVar:

NM_003640.5(ELP1):c.840del (p.Phe282fs)

Gene: ELP1 (elongator acetyltransferase complex subunit 1; minus strand). Cytogenetic location: 9q31.3.
Variant type: Deletion.
Coding change: c.840del on transcript NM_003640.5 (MANE Select); coding-DNA position 840, one base deleted (T; older notation c.840delT).
Protein change: p.Phe282fs; shifts the reading frame from phenylalanine 282.
Molecular consequence: frameshift variant. On other transcripts: 5 prime UTR variant (1).
Genome position (GRCh38, 1-based): chr9:108,917,571, A deleted on the plus strand (T on the coding strand, the reverse complement: ELP1 is on the minus strand); the first of 2 consecutive A bases (chr9:108,917,571-108,917,572); deleting either gives the same sequence. VCF-style (leftmost placement, unchanged base first): chr9-108917570-GA-G. GRCh37 (hg19) VCF-style: chr9-111679850-GA-G.
Other names: c.840del (NM_003640.4); c.498del, p.Phe168fs (NM_001318360.2); c.-208del (NM_001330749.2); short protein forms F282fs, F168fs.
Identifiers: ClinVar variation 4719623 (VCV004719623.2).

ClinVar aggregate classification (germline): Pathogenic/Likely pathogenic. Review status: criteria provided, multiple submitters, no conflicts (2 of 4 stars). 2 submissions from 2 submitters: Pathogenic (1); Likely pathogenic (1). Last evaluated 2025-08-12.

Conditions:
Familial dysautonomia. Also called: HSAN III; FD. Identifiers: Orphanet 1764, MedGen C0013364, MONDO:0009131, OMIM 223900. Disease mechanism: loss of function.

Submissions (2):

Natera, Inc.
Classification: Likely pathogenic for Familial dysautonomia. Last evaluated: 2025-08-12. Review status: criteria provided, single submitter. Criteria: Natera Variant Classification Schema (03/2026). Collection method: clinical testing. Allele origin: germline.
Comment: The c.840del variant in ELP1 is a frameshift variant predicted to shift the reading frame beginning at codon 282 and leads to a stop codon 8 codons downstream. This variant is expected to result in nonsense mediated decay, truncation, or a dysfunctional protein product. This variant is rare in the general population with a frequency below the threshold expected for the associated phenotype(s). Given the available evidence, this variant is classified as Likely Pathogenic.

Labcorp Genetics (formerly Invitae), Labcorp
Classification: Pathogenic. Last evaluated: 2025-05-14. Review status: criteria provided, single submitter. Criteria: Invitae Variant Classification Sherloc (09022015). Collection method: clinical testing. Allele origin: germline.
Comment: This sequence change creates a premature translational stop signal (p.Phe282Serfs*8) in the ELP1 gene. It is expected to result in an absent or disrupted protein product. Loss-of-function variants in ELP1 are known to be pathogenic (PMID: 18303054, 24173031). This variant is not present in population databases (gnomAD no frequency). This variant has not been reported in the literature in individuals affected with ELP1-related conditions. Algorithms developed to predict the effect of sequence changes on RNA splicing suggest that this variant may disrupt the consensus splice site. For these reasons, this variant has been classified as Pathogenic.

Literature cited by the submitters: PubMed 18303054 (cited by Labcorp Genetics (formerly Invitae), Labcorp); PubMed 24173031 (cited by Labcorp Genetics (formerly Invitae), Labcorp).